The following is an entry in ClinVar:

NM_018062.4(FANCL):c.775+3A>T

Gene: FANCL (FA complementation group L; minus strand). Cytogenetic location: 2p16.1.
Variant type: single nucleotide variant.
Coding change: c.775+3A>T on transcript NM_018062.4 (MANE Select); 3 bases into the intron after coding-DNA position 775, A replaced by T.
Molecular consequence: intron variant.
Genome position (GRCh38, 1-based): chr2:58,163,431, T>A on the plus strand (A>T on the coding strand, the complement: FANCL is on the minus strand). VCF-style: chr2-58163431-T-A. GRCh37 (hg19) VCF-style: chr2-58390566-T-A.
Other names: c.820+3A>T (NM_001374615.1); c.790+3A>T (NM_001114636.2); c.835+3A>T (NM_001410792.1).
Identifiers: ClinVar variation 1062652 (VCV001062652.4), dbSNP rs975755966, ClinGen allele CA532805383.

ClinVar aggregate classification (germline): Uncertain significance (1 of 4 stars; one submission).

Conditions:
Fanconi anemia (FA). Also called: Fanconi's anemia. Identifiers: Orphanet 84, MedGen C0015625, MeSH D005199, MONDO:0019391.

Allele frequency attached by ClinVar (database versions not stated): gnomAD 0.00001; gnomAD exomes below 0.00001.
gnomAD v4.1: 16 of 1,599,848 alleles (0.001%); highest among the groups gnomAD compares: African/African-American, 0.0027%; no homozygotes.

Submission:

Labcorp Genetics (formerly Invitae), Labcorp
Classification: Uncertain significance for Fanconi anemia. Last evaluated: 2020-10-07. Review status: criteria provided, single submitter. Criteria: Invitae Variant Classification Sherloc (09022015). Collection method: clinical testing. Allele origin: germline.
Comment: This sequence change falls in intron 9 of the FANCL gene. It does not directly change the encoded amino acid sequence of the FANCL protein, but it affects a nucleotide within the consensus splice site of the intron. This variant is not present in population databases (ExAC no frequency). This variant has not been reported in the literature in individuals with FANCL-related conditions. Nucleotide substitutions within the consensus splice site are a relatively common cause of aberrant splicing (PMID: 17576681, 9536098). Algorithms developed to predict the effect of sequence changes on RNA splicing suggest that this variant may disrupt the consensus splice site, but this prediction has not been confirmed by published transcriptional studies. In summary, the available evidence is currently insufficient to determine the role of this variant in disease. Therefore, it has been classified as a Variant of Uncertain Significance.

Literature cited by the submitters: PubMed 17576681; PubMed 9536098.